The following is an entry in ClinVar:

NM_001002255.2(SUMO4):c.163G>A (p.Val55Met)

Genes: SUMO4 (small ubiquitin like modifier 4; plus strand), TAB2 (TGF-beta activated kinase 1 (MAP3K7) binding protein 2; plus strand). Cytogenetic location: 6q25.1.
Variant type: single nucleotide variant.
Coding change: c.163G>A on transcript NM_001002255.2 (MANE Select); coding-DNA position 163, G replaced by A.
Protein change: p.Val55Met; replaces valine 55 with methionine.
Molecular consequence: missense variant. On other transcripts: intron variant (4).
Genome position (GRCh38, 1-based): chr6:149,400,554, G>A. VCF-style: chr6-149400554-G-A. GRCh37 (hg19) VCF-style: chr6-149721690-G-A.
Other names: M55V; c.1843+1370G>A (NM_001292035.3); c.1939+1370G>A (NM_001369506.1, NM_001292034.3, NM_015093.6); short protein forms V55M.
Identifiers: ClinVar variation 2062 (VCV000002062.9), dbSNP rs237025, ClinGen allele CA115316.

ClinVar aggregate classification (germline): Benign. Review status: criteria provided, multiple submitters, no conflicts (2 of 4 stars). 7 submissions from 6 submitters: Benign (5). 2 of the submissions do not count toward it. Last evaluated 2025-09-10.

Conditions:
Diabetes mellitus type 1 (T1D). Also called: Diabetes Mellitus, Juvenile-Onset; Type I diabetes mellitus. Identifiers: MedGen C0011854, MONDO:0005147, OMIM 222100, HP:0100651.
Type 1 diabetes mellitus 5 (T1D5). Identifiers: MedGen C1838260, MONDO:0010863, OMIM 600320.

Allele frequency attached by ClinVar (database versions not stated): gnomAD 0.57192; TOPMed 0.58369; gnomAD exomes 0.50642 and 0.55368; ExAC 0.55508; 1000 Genomes Project 0.64597; 1000 Genomes Project 30x 0.64725.
gnomAD v4.1: 828,175 of 1,613,990 alleles (51%); highest among the groups gnomAD compares: African/African-American, 72%; 216,559 homozygotes.

Submissions (7):

Genomic Medicine Center of Excellence, King Faisal Specialist Hospital and Research Centre
Classification: Benign for Diabetes mellitus type 1. Last evaluated: 2025-09-10. Review status: criteria provided, single submitter. Criteria: ACMG Guidelines, 2015. Collection method: clinical testing. Allele origin: germline.

Laboratory of Genetics, Children's Clinical University Hospital Latvia
Classification: Benign. Last evaluated: 2025-02-16. Review status: criteria provided, single submitter. Criteria: ACMG Guidelines, 2015. Collection method: clinical testing. Allele origin: germline. Affected: yes.

Department of Pathology and Laboratory Medicine, Sinai Health System
Classification: Benign for Type 1 diabetes mellitus 5. Last evaluated: 2023-04-24. Review status: criteria provided, single submitter. Criteria: ACMG Guidelines, 2015. Collection method: research. Allele origin: germline.

Mendelics
Classification: Benign. Last evaluated: 2022-05-04. Review status: criteria provided, single submitter. Criteria: Mendelics Assertion Criteria 2019. Collection method: clinical testing. Allele origin: germline.

GeneDx
Classification: Benign. Last evaluated: 2021-05-04. Review status: criteria provided, single submitter. Criteria: GeneDx Variant Classification Process June 2021. Collection method: clinical testing. Allele origin: germline. Affected: yes.
Comment: This variant is associated with the following publications: (PMID: 25189908, 15247916, 21158221, 19915388, 20518843, 22884980, 19410319, 17130563)

Genomic Medicine Center of Excellence, King Faisal Specialist Hospital and Research Centre
Classification: Pathogenic for Type 1 diabetes mellitus 5. Last evaluated: 2025-07-30. Review status: flagged submission. Criteria: ACMG Guidelines, 2015. Collection method: clinical testing. Allele origin: germline. Not counted in ClinVar's aggregate classification.
ClinVar note: Reason: Outlier claim with insufficient supporting evidence

OMIM
Classification: Pathogenic for TYPE 1 DIABETES MELLITUS 5. Last evaluated: 2005-02-01. Review status: flagged submission. Collection method: literature only. Allele origin: germline. Not counted in ClinVar's aggregate classification.
ClinVar note: Reason: Outlier claim with insufficient supporting evidence

Literature cited by the submitters: PubMed 15123604 (cited by OMIM); PubMed 15247916 (cited by OMIM); PubMed 15678134 (cited by OMIM); PubMed 15678135 (cited by OMIM); PubMed 15678137 (cited by OMIM).